The following is an entry in ClinVar:

NM_001283009.2(RTEL1):c.2066G>A (p.Arg689Lys)

Genes: RTEL1 (regulator of telomere elongation helicase 1; plus strand), RTEL1-TNFRSF6B (RTEL1-TNFRSF6B readthrough (NMD candidate); plus strand). Cytogenetic location: 20q13.33.
Variant type: single nucleotide variant.
Coding change: c.2066G>A on transcript NM_001283009.2 (MANE Select); coding-DNA position 2066, G replaced by A.
Protein change: p.Arg689Lys; replaces arginine 689 with lysine.
Molecular consequence: missense variant. On other transcripts: non-coding transcript variant (1).
Genome position (GRCh38, 1-based): chr20:63,689,790, G>A. VCF-style: chr20-63689790-G-A. GRCh37 (hg19) VCF-style: chr20-62321143-G-A.
Other names: c.1397G>A, p.Arg466Lys (NM_001283010.1); c.2066G>A, p.Arg689Lys (NM_016434.4); c.2138G>A, p.Arg713Lys (NM_032957.5); short protein forms R466K, R689K, R713K.
Identifiers: ClinVar variation 4863593 (VCV004863593.1).

ClinVar aggregate classification (germline): Uncertain significance (1 of 4 stars; one submission).

Conditions:
Inborn genetic diseases. Identifiers: MedGen C0950123, MeSH D030342.

Submission:

Ambry Genetics
Classification: Uncertain significance for Inborn genetic diseases. Last evaluated: 2026-05-18. Review status: criteria provided, single submitter. Criteria: Ambry Variant Classification Scheme 2023. Collection method: clinical testing. Allele origin: germline.
Comment: The p.R689K variant (also known as c.2066G>A), located in coding exon 23 of the RTEL1 gene, results from a G to A substitution at nucleotide position 2066. The arginine at codon 689 is replaced by lysine, an amino acid with highly similar properties. This amino acid position is conserved. In addition, this alteration is predicted to be deleterious by in silico analysis. Based on the available evidence, the clinical significance of this variant remains unclear.